The following is an entry in ClinVar:

NM_020778.5(ALPK3):c.1961A>T (p.Asp654Val)

Gene: ALPK3 (alpha kinase 3; plus strand). Cytogenetic location: 15q25.3.
Variant type: single nucleotide variant.
Coding change: c.1961A>T on transcript NM_020778.5 (MANE Select); coding-DNA position 1961, A replaced by T.
Protein change: p.Asp654Val; replaces aspartic acid 654 with valine.
Molecular consequence: missense variant.
Genome position (GRCh38, 1-based): chr15:84,856,699, A>T. VCF-style: chr15-84856699-A-T. GRCh37 (hg19) VCF-style: chr15-85399930-A-T.
Other names: short protein forms D654V.
Identifiers: ClinVar variation 1433133 (VCV001433133.10), dbSNP rs1027334963, ClinGen allele CA273623811.

ClinVar aggregate classification (germline): Conflicting classifications of pathogenicity. Review status: criteria provided, conflicting classifications (1 of 4 stars). 3 submissions from 3 submitters: Uncertain significance (2); Likely benign (1). Last evaluated 2026-04-01.

Conditions:
Cardiovascular phenotype. Identifiers: MedGen CN230736.

Allele frequency attached by ClinVar (database versions not stated): gnomAD 0.00001 and 0.00003; gnomAD exomes below 0.00001; TOPMed 0.00004.
gnomAD v4.1: 29 of 1,614,012 alleles (0.0018%); highest among the groups gnomAD compares: Non-Finnish European, 0.0024%; no homozygotes.

Submissions (3):

GeneDx
Classification: Uncertain significance. Last evaluated: 2026-04-01. Review status: criteria provided, single submitter. Criteria: GeneDx Variant Classification Process June 2021. Collection method: clinical testing. Allele origin: germline.
Comment: Not observed at significant frequency in large population cohorts (gnomAD); In silico analysis supports that this missense variant does not alter protein structure/function; Has not been previously published as pathogenic or benign to our knowledge

Labcorp Genetics (formerly Invitae), Labcorp
Classification: Uncertain significance. Last evaluated: 2026-01-11. Review status: criteria provided, single submitter. Criteria: Invitae Variant Classification Sherloc (09022015). Collection method: clinical testing. Allele origin: germline.
Comment: This sequence change replaces aspartic acid, which is acidic and polar, with valine, which is neutral and non-polar, at codon 856 of the ALPK3 protein (p.Asp856Val). This variant is present in population databases (no rsID available, gnomAD 0.002%). This variant has not been reported in the literature in individuals affected with ALPK3-related conditions. ClinVar contains an entry for this variant (Variation ID: 1433133). Invitae Evidence Modeling of protein sequence and biophysical properties (such as structural, functional, and spatial information, amino acid conservation, physicochemical variation, residue mobility, and thermodynamic stability) indicates that this missense variant is not expected to disrupt ALPK3 protein function with a negative predictive value of 80%. In summary, the available evidence is currently insufficient to determine the role of this variant in disease. Therefore, it has been classified as a Variant of Uncertain Significance.

Ambry Genetics
Classification: Likely benign for Cardiovascular phenotype. Last evaluated: 2024-09-09. Review status: criteria provided, single submitter. Criteria: Ambry Variant Classification Scheme 2023. Collection method: clinical testing. Allele origin: germline.